The following is an entry in ClinVar:

ClinVar aggregate classification (germline): Uncertain significance. Review status: criteria provided, multiple submitters, no conflicts (2 of 4 stars). 2 submissions from 2 submitters: Uncertain significance (2). Last evaluated 2024-12-20.

Conditions:
Colorectal cancer, hereditary nonpolyposis, type 7. Identifiers: Orphanet 144, MedGen C1858380, MONDO:0013725, OMIM 614385.
Colorectal cancer. Also called: Colorectal cancer, somatic; Malignant Colorectal Neoplasm. Identifiers: MedGen C0346629, MONDO:0005575, OMIM 114500.
Endometrial carcinoma. Also called: Endometrial carcinoma, somatic. Identifiers: MedGen C0476089, MONDO:0002447, OMIM 608089, HP:0012114.

Submissions (2):

Ambry Genetics
Classification: Uncertain significance. Last evaluated: 2024-12-20. Review status: criteria provided, single submitter. Criteria: Ambry Variant Classification Scheme 2023. Collection method: clinical testing. Allele origin: germline.
Comment: The p.L5V variant (also known as c.13T>G), located in coding exon 1 of the MLH3 gene, results from a T to G substitution at nucleotide position 13. The leucine at codon 5 is replaced by valine, an amino acid with highly similar properties. This amino acid position is conserved. In addition, this alteration is predicted to be deleterious by in silico analysis. Based on the available evidence, the clinical significance of this variant remains unclear.

Fulgent Genetics
Classification: Uncertain significance for Colorectal cancer; Endometrial carcinoma; Colorectal cancer, hereditary nonpolyposis, type 7. Last evaluated: 2024-03-26. Review status: criteria provided, single submitter. Criteria: ACMG Guidelines, 2015. Collection method: clinical testing. Allele origin: germline.

NM_001040108.2(MLH3):c.13T>G (p.Leu5Val)

Gene: MLH3 (mutL homolog 3; minus strand). Cytogenetic location: 14q24.3.
Variant type: single nucleotide variant.
Coding change: c.13T>G on transcript NM_001040108.2 (MANE Select); coding-DNA position 13, T replaced by G.
Protein change: p.Leu5Val; replaces leucine 5 with valine.
Molecular consequence: missense variant.
Genome position (GRCh38, 1-based): chr14:75,049,643, A>C on the plus strand (T>G on the coding strand, the complement: MLH3 is on the minus strand). VCF-style: chr14-75049643-A-C. GRCh37 (hg19) VCF-style: chr14-75516346-A-C.
Other names: c.13T>G, p.Leu5Val (NM_014381.3); short protein forms L5V.
Identifiers: ClinVar variation 3576766 (VCV003576766.2).